The following is an entry in ClinVar:

NM_001195263.2(PDZD7):c.3045del (p.Ser1016fs)

Gene: PDZD7 (PDZ domain containing 7; minus strand). Cytogenetic location: 10q24.31.
Variant type: Deletion.
Coding change: c.3045del on transcript NM_001195263.2 (MANE Select); coding-DNA position 3045, one base deleted (C; older notation c.3045delC).
Protein change: p.Ser1016fs; shifts the reading frame from serine 1016.
Molecular consequence: frameshift variant.
Genome position (GRCh38, 1-based): chr10:101,008,524, G deleted on the plus strand (C on the coding strand, the reverse complement: PDZD7 is on the minus strand); the first of 5 consecutive G bases (chr10:101,008,524-101,008,528); deleting any one gives the same sequence. VCF-style (leftmost placement, unchanged base first): chr10-101008523-AG-A. GRCh37 (hg19) VCF-style: chr10-102768280-AG-A.
Other names: short protein forms S1016fs.
Identifiers: ClinVar variation 1046058 (VCV001046058.4), dbSNP rs1852289551, ClinGen allele CA1932030869.
Genomic context (GRCh38, chr10:101,008,523, plus strand): 5'-AGGGTCATGGGATGCGTGGGGAGGGTGCGGGCTTAGAATCAGGAGTCTGGAGGGCTGGGG[AG>A]GGGGCTGGGCTGGGAGTTGGCTGGAGGAGCCTGGCATCAGTGGGAGGAGTCTGGGGATTG-3'

ClinVar aggregate classification (germline): Uncertain significance (1 of 4 stars; one submission).

Submission:

Labcorp Genetics (formerly Invitae), Labcorp
Classification: Uncertain significance. Last evaluated: 2020-02-12. Review status: criteria provided, single submitter. Criteria: Invitae Variant Classification Sherloc (09022015). Collection method: clinical testing. Allele origin: germline.
Comment: This sequence change results in a frameshift in the PDZD7 gene (p.Ser1016Profs*29). While this is not anticipated to result in nonsense mediated decay, it is expected to disrupt the last 18 amino acids of the PDZD7 protein and extend the protein by an additional 10 amino acids. The frequency data for this variant in the population databases is considered unreliable, as metrics indicate insufficient coverage at this position in the ExAC database. This variant has not been reported in the literature in individuals with PDZD7-related conditions. Experimental studies and prediction algorithms are not available or were not evaluated, and the functional significance of this variant is currently unknown. In summary, the available evidence is currently insufficient to determine the role of this variant in disease. Therefore, it has been classified as a Variant of Uncertain Significance.